The following is an entry in ClinVar:

ClinVar aggregate classification (germline): Uncertain significance (1 of 4 stars; one submission).

Allele frequency attached by ClinVar (database versions not stated): gnomAD exomes below 0.00001; TOPMed below 0.00001.
gnomAD v4.1: 6 of 1,559,038 alleles (0.00038%); highest among the groups gnomAD compares: Admixed American, 0.0019%; no homozygotes.

Submission:

Labcorp Genetics (formerly Invitae), Labcorp
Classification: Uncertain significance. Last evaluated: 2022-02-21. Review status: criteria provided, single submitter. Criteria: Invitae Variant Classification Sherloc (09022015). Collection method: clinical testing. Allele origin: germline.
Comment: This sequence change affects codon 414 of the RASGRP1 mRNA. It is a 'silent' change, meaning that it does not change the encoded amino acid sequence of the RASGRP1 protein. This variant also falls at the last nucleotide of exon 9, which is part of the consensus splice site for this exon. This variant is not present in population databases (gnomAD no frequency). This variant has not been reported in the literature in individuals affected with RASGRP1-related conditions. Variants that disrupt the consensus splice site are a relatively common cause of aberrant splicing (PMID: 17576681, 9536098). Algorithms developed to predict the effect of sequence changes on RNA splicing suggest that this variant may disrupt the consensus splice site. In summary, the available evidence is currently insufficient to determine the role of this variant in disease. Therefore, it has been classified as a Variant of Uncertain Significance.

Literature cited by the submitters: PubMed 17576681; PubMed 9536098.

NM_005739.4(RASGRP1):c.1242G>A (p.Thr414=)

Gene: RASGRP1 (RAS guanyl releasing protein 1; minus strand). Cytogenetic location: 15q14.
Variant type: single nucleotide variant.
Coding change: c.1242G>A on transcript NM_005739.4 (MANE Select); coding-DNA position 1242, G replaced by A.
Protein change: p.Thr414=; no amino-acid change (threonine 414 retained).
Molecular consequence: synonymous variant.
Genome position (GRCh38, 1-based): chr15:38,507,726, C>T on the plus strand (G>A on the coding strand, the complement: RASGRP1 is on the minus strand). VCF-style: chr15-38507726-C-T. GRCh37 (hg19) VCF-style: chr15-38799927-C-T.
Other names: c.1242G>A, p.Thr414= (NM_001128602.2, NM_001306086.2).
Identifiers: ClinVar variation 1917643 (VCV001917643.2), dbSNP rs1891318737, ClinGen allele CA489706791.